The following is an entry in ClinVar:

ClinVar aggregate classification (germline): Uncertain significance (1 of 4 stars; one submission).

Conditions:
Nephronophthisis. Also called: Juvenile Nephronophthisis. Identifiers: Orphanet 655, MedGen C0687120, MONDO:0019005, HP:0000090.

Allele frequency attached by ClinVar (database versions not stated): gnomAD exomes below 0.00001.
gnomAD v4.1: 1 of 1,613,882 alleles (0.000062%); highest among the groups gnomAD compares: Non-Finnish European, 0.000085%; no homozygotes.

Submission:

Labcorp Genetics (formerly Invitae), Labcorp
Classification: Uncertain significance for Nephronophthisis. Last evaluated: 2023-12-18. Review status: criteria provided, single submitter. Criteria: Invitae Variant Classification Sherloc (09022015). Collection method: clinical testing. Allele origin: germline.
Comment: This sequence change replaces serine, which is neutral and polar, with glycine, which is neutral and non-polar, at codon 224 of the NPHP1 protein (p.Ser224Gly). This variant is not present in population databases (gnomAD no frequency). This variant has not been reported in the literature in individuals affected with NPHP1-related conditions. ClinVar contains an entry for this variant (Variation ID: 1442768). Advanced modeling of protein sequence and biophysical properties (such as structural, functional, and spatial information, amino acid conservation, physicochemical variation, residue mobility, and thermodynamic stability) performed at Invitae indicates that this missense variant is not expected to disrupt NPHP1 protein function with a negative predictive value of 80%. In summary, the available evidence is currently insufficient to determine the role of this variant in disease. Therefore, it has been classified as a Variant of Uncertain Significance.

NM_001128178.3(NPHP1):c.670A>G (p.Ser224Gly)

Gene: NPHP1 (nephrocystin 1; minus strand). Cytogenetic location: 2q13.
Variant type: single nucleotide variant.
Coding change: c.670A>G on transcript NM_001128178.3 (MANE Select); coding-DNA position 670, A replaced by G.
Protein change: p.Ser224Gly; replaces serine 224 with glycine.
Molecular consequence: missense variant.
Genome position (GRCh38, 1-based): chr2:110,165,110, T>C on the plus strand (A>G on the coding strand, the complement: NPHP1 is on the minus strand). VCF-style: chr2-110165110-T-C. GRCh37 (hg19) VCF-style: chr2-110922687-T-C.
Other names: c.670A>G, p.Ser224Gly (NM_000272.5, NM_001374256.1, NM_001374257.1 and 1 more transcripts); c.484A>G, p.Ser162Gly (NM_001128179.3); short protein forms S162G, S224G.
Identifiers: ClinVar variation 1442768 (VCV001442768.8), dbSNP rs2104562029, ClinGen allele CA348092257.